The following is an entry in ClinVar:

NM_198252.3(GSN):c.-9-2052C>T

Gene: GSN (gelsolin; plus strand). Cytogenetic location: 9q33.2.
Variant type: single nucleotide variant.
Coding change: c.-9-2052C>T on transcript NM_198252.3 (MANE Select); 2052 bases into the intron before 9 bases upstream of the start codon, C replaced by T.
Molecular consequence: intron variant. On other transcripts: missense variant (1).
Genome position (GRCh38, 1-based): chr9:121,299,911, C>T. VCF-style: chr9-121299911-C-T. GRCh37 (hg19) VCF-style: chr9-124062189-C-T.
Other names: c.50C>T, p.Ala17Val (NM_000177.5); c.-9-2052C>T (NM_001353054.1, NM_001353053.1, NM_001353060.2 and 5 more transcripts); c.-47-145C>T (NM_001353064.2, NM_001353066.2, NM_001353072.2 and 8 more transcripts); c.-1-2060C>T (NM_001353058.2, NM_001353059.2, NM_001353056.2 and 1 more transcripts); c.-38-154C>T (NM_001353073.2, NM_001353065.2, NM_001353068.2 and 2 more transcripts); c.100-2052C>T (NM_001127663.2); c.-32-160C>T (NM_001353070.2); c.-48-2013C>T (NM_001353055.2); and 3 more; short protein forms A17V.
Identifiers: ClinVar variation 2720363 (VCV002720363.3), dbSNP rs1055331867, ClinGen allele CA199406383.

ClinVar aggregate classification (germline): Uncertain significance (1 of 4 stars; one submission).

Allele frequency attached by ClinVar (database versions not stated): TOPMed below 0.00001.

Submission:

Labcorp Genetics (formerly Invitae), Labcorp
Classification: Uncertain significance. Last evaluated: 2022-10-29. Review status: criteria provided, single submitter. Criteria: Invitae Variant Classification Sherloc (09022015). Collection method: clinical testing. Allele origin: germline.
Comment: In summary, the available evidence is currently insufficient to determine the role of this variant in disease. Therefore, it has been classified as a Variant of Uncertain Significance. Algorithms developed to predict the effect of missense changes on protein structure and function are either unavailable or do not agree on the potential impact of this missense change (SIFT: "Tolerated"; PolyPhen-2: "Probably Damaging"; Align-GVGD: "Class C0"). This variant has not been reported in the literature in individuals affected with GSN-related conditions. This variant is not present in population databases (gnomAD no frequency). This sequence change replaces alanine, which is neutral and non-polar, with valine, which is neutral and non-polar, at codon 17 of the GSN protein (p.Ala17Val).